The following is an entry in ClinVar:

NM_001243177.4(ALDOA):c.597C>T (p.Phe199=)

Genes: ALDOA (aldolase, fructose-bisphosphate A; plus strand), LOC112694756 (uncharaterized LOC112694756; plus strand). Cytogenetic location: 16p11.2.
Variant type: single nucleotide variant.
Coding change: c.597C>T on transcript NM_001243177.4 (MANE Select); coding-DNA position 597, C replaced by T.
Protein change: p.Phe199=; no amino-acid change (phenylalanine 199 retained).
Molecular consequence: synonymous variant. On other transcripts: 3 prime UTR variant (3).
Genome position (GRCh38, 1-based): chr16:30,068,873, C>T. VCF-style: chr16-30068873-C-T. GRCh37 (hg19) VCF-style: chr16-30080194-C-T.
Other names: NM_000034.3:c.435C>T; c.435C>T, p.Phe145= (NM_001127617.2, NM_184041.5, NM_184043.2); c.*944C>T (NM_001365304.2, NM_001365305.2, NM_001365307.2).
Identifiers: ClinVar variation 510857 (VCV000510857.6), dbSNP rs769378422, ClinGen allele CA8000999.

ClinVar aggregate classification (germline): Likely benign. Review status: criteria provided, multiple submitters, no conflicts (2 of 4 stars). 3 submissions from 3 submitters: Likely benign (3). Last evaluated 2026-05-10.

Conditions:
HNSHA due to aldolase A deficiency (GSD12). Also called: Glycogen storage disease due to aldolase A deficiency; GLYCOGEN STORAGE DISEASE XII; GSD XII; RED CELL ALDOLASE DEFICIENCY. Identifiers: Orphanet 57, MedGen C0272066, MONDO:0012747, OMIM 611881.
ALDOA-related disorder. Also called: ALDOA-related condition.

Allele frequency attached by ClinVar (database versions not stated): gnomAD 0.00001; gnomAD exomes 0.00001 and 0.00002; TOPMed 0.00001; ExAC 0.00002.
gnomAD v4.1: 25 of 1,614,230 alleles (0.0015%); highest among the groups gnomAD compares: South Asian, 0.021%; no homozygotes.

Submissions (3):

PreventionGenetics, part of Exact Sciences
Classification: Likely benign for ALDOA-related condition. Last evaluated: 2026-05-10. Review status: criteria provided, single submitter. Criteria: ACMG Guidelines, 2015. Collection method: clinical testing. Allele origin: germline.
Comment: This variant is classified as likely benign based on ACMG/AMP sequence variant interpretation guidelines (Richards et al. 2015 PMID: 25741868, with internal and published modifications).

Labcorp Genetics (formerly Invitae), Labcorp
Classification: Likely benign for HNSHA due to aldolase A deficiency. Last evaluated: 2025-10-02. Review status: criteria provided, single submitter. Criteria: Invitae Variant Classification Sherloc (09022015). Collection method: clinical testing. Allele origin: germline.

GeneDx
Classification: Likely benign. Last evaluated: 2017-07-27. Review status: criteria provided, single submitter. Criteria: GeneDx Variant Classification (06012015). Collection method: clinical testing. Allele origin: germline. Affected: yes.
Comment: This variant is considered likely benign or benign based on one or more of the following criteria: it is a conservative change, it occurs at a poorly conserved position in the protein, it is predicted to be benign by multiple in silico algorithms, and/or has population frequency not consistent with disease.